The following is an entry in ClinVar:

NM_000219.6(KCNE1):c.93C>G (p.Ala31=)

Gene: KCNE1 (potassium voltage-gated channel subfamily E regulatory subunit 1; minus strand). Cytogenetic location: 21q22.12.
Variant type: single nucleotide variant.
Coding change: c.93C>G on transcript NM_000219.6 (MANE Select); coding-DNA position 93, C replaced by G.
Protein change: p.Ala31=; no amino-acid change (alanine 31 retained).
Molecular consequence: synonymous variant.
Genome position (GRCh38, 1-based): chr21:34,449,542, G>C on the plus strand (C>G on the coding strand, the complement: KCNE1 is on the minus strand). VCF-style: chr21-34449542-G-C. GRCh37 (hg19) VCF-style: chr21-35821840-G-C.
Other names: c.93C>G, p.Ala31= (NM_001127668.4, NM_001127669.4, NM_001127670.4 and 4 more transcripts).
Identifiers: ClinVar variation 3374029 (VCV003374029.2).

Conditions:
Long QT syndrome 5 (LQT5). Identifiers: Orphanet 101016, Orphanet 768, MedGen C1867904, MONDO:0013372, OMIM 613695.

Submission:

Roden Lab, Vanderbilt University Medical Center
No classification provided (evidence only). Condition: Long QT syndrome 5. Review status: no classification provided. Collection method: in vitro. Allele origin: not applicable. Functional consequence: Effect on ion channel function.
ClinVar note: "not provided" was previously submitted as the classification for the variant. However, the classification appeared to be based only on an observation of functional data so it was converted to no classification on 2025-07-30.